The following is an entry in ClinVar:

ClinVar aggregate classification (germline): Uncertain significance. Review status: criteria provided, single submitter (1 of 4 stars). 2 submissions from 2 submitters: Uncertain significance (1). 1 of the submissions does not count toward it. Last evaluated 2020-02-13.

Conditions:
Hereditary cancer-predisposing syndrome. Also called: Neoplastic Syndromes, Hereditary; Tumor predisposition; Hereditary neoplastic syndrome; Hereditary Cancer Syndrome. Identifiers: Orphanet 140162, MedGen C0027672, MeSH D009386, MONDO:0015356.
Prostate cancer, hereditary, 1 (HPC1). Identifiers: Orphanet 1331, MedGen C4722327, MONDO:0011098, OMIM 601518.

Submissions (2):

Ambry Genetics
Classification: Uncertain significance for Hereditary cancer-predisposing syndrome. Last evaluated: 2020-02-13. Review status: criteria provided, single submitter. Criteria: Ambry Variant Classification Scheme 2023. Collection method: clinical testing. Allele origin: germline.
Comment: The c.-2C>T variant is located in the 5' untranslated region (5&rsquo; UTR) of the HOXB13 gene. This variant results from a C to T substitution 2 bases upstream from the first translated codon. This nucleotide position is not well conserved in available vertebrate species. Since supporting evidence is limited at this time, the clinical significance of this alteration remains unclear.

Laboratory of Virology, Microbiology,  Quality and Medical Biotechnologies, Faculty of Sciences and Techniques - Mohammedia, Hassan II University of Casablanca
Classification: Uncertain significance for Prostate cancer, hereditary, 1. Review status: no assertion criteria provided. Collection method: clinical testing. Allele origin: somatic. Affected: yes. Not counted in ClinVar's aggregate classification.

NM_006361.6(HOXB13):c.-2C>T

Gene: HOXB13 (homeobox B13; minus strand). Cytogenetic location: 17q21.32.
Variant type: single nucleotide variant.
Coding change: c.-2C>T on transcript NM_006361.6 (MANE Select); 2 bases upstream of the start codon, C replaced by T.
Molecular consequence: 5 prime UTR variant.
Genome position (GRCh38, 1-based): chr17:48,728,595, G>A on the plus strand (C>T on the coding strand, the complement: HOXB13 is on the minus strand). VCF-style: chr17-48728595-G-A. GRCh37 (hg19) VCF-style: chr17-46805957-G-A.
Identifiers: ClinVar variation 690704 (VCV000690704.4), dbSNP rs1597935461, ClinGen allele CA915950516.